The following is an entry in ClinVar:

NM_004006.3(DMD):c.1819A>G (p.Lys607Glu)

Gene: DMD (dystrophin; minus strand). Cytogenetic location: Xp21.1.
Variant type: single nucleotide variant.
Coding change: c.1819A>G on transcript NM_004006.3 (MANE Select); coding-DNA position 1819, A replaced by G.
Protein change: p.Lys607Glu; replaces lysine 607 with glutamic acid.
Molecular consequence: missense variant.
Genome position (GRCh38, 1-based): chrX:32,565,875, T>C on the plus strand (A>G on the coding strand, the complement: DMD is on the minus strand). VCF-style: chrX-32565875-T-C. GRCh37 (hg19) VCF-style: chrX-32583992-T-C.
Other names: c.1795A>G, p.Lys599Glu (NM_000109.4); c.1807A>G, p.Lys603Glu (NM_004009.3); c.1450A>G, p.Lys484Glu (NM_004010.3); short protein forms K484E, K599E, K603E, K607E.
Identifiers: ClinVar variation 2420364 (VCV002420364.7), dbSNP rs767698069, ClinGen allele CA412673039.

ClinVar aggregate classification (germline): Uncertain significance. Review status: criteria provided, multiple submitters, no conflicts (2 of 4 stars). 2 submissions from 2 submitters: Uncertain significance (2). Last evaluated 2026-04-20.

Conditions:
Duchenne muscular dystrophy (DMD). Also called: Duchenne Muscular Dystrophy (DMD); MUSCULAR DYSTROPHY, PSEUDOHYPERTROPHIC PROGRESSIVE, DUCHENNE TYPE. Identifiers: Orphanet 98896, MedGen C0013264, MONDO:0010679, OMIM 310200.
Cardiovascular phenotype. Identifiers: MedGen CN230736.

Submissions (2):

Ambry Genetics
Classification: Uncertain significance for Cardiovascular phenotype. Last evaluated: 2026-04-20. Review status: criteria provided, single submitter. Criteria: Ambry Variant Classification Scheme 2023. Collection method: clinical testing. Allele origin: germline.
Comment: The p.K607E variant (also known as c.1819A>G), located in coding exon 16 of the DMD gene, results from an A to G substitution at nucleotide position 1819. The lysine at codon 607 is replaced by glutamic acid, an amino acid with similar properties. This amino acid position is conserved. In addition, the in silico prediction for this alteration is inconclusive. Based on the available evidence, the clinical significance of this variant remains unclear.

Labcorp Genetics (formerly Invitae), Labcorp
Classification: Uncertain significance for Duchenne muscular dystrophy. Last evaluated: 2024-10-28. Review status: criteria provided, single submitter. Criteria: Invitae Variant Classification Sherloc (09022015). Collection method: clinical testing. Allele origin: germline.
Comment: This sequence change replaces lysine, which is basic and polar, with glutamic acid, which is acidic and polar, at codon 607 of the DMD protein (p.Lys607Glu). This variant is not present in population databases (gnomAD no frequency). This variant has not been reported in the literature in individuals affected with DMD-related conditions. ClinVar contains an entry for this variant (Variation ID: 2420364). Invitae Evidence Modeling of protein sequence and biophysical properties (such as structural, functional, and spatial information, amino acid conservation, physicochemical variation, residue mobility, and thermodynamic stability) indicates that this missense variant is not expected to disrupt DMD protein function with a negative predictive value of 95%. In summary, the available evidence is currently insufficient to determine the role of this variant in disease. Therefore, it has been classified as a Variant of Uncertain Significance.